The following is an entry in ClinVar:

ClinVar aggregate classification (germline): Likely benign. Review status: criteria provided, multiple submitters, no conflicts (2 of 4 stars). 4 submissions from 4 submitters: Likely benign (3). 1 of the submissions does not count toward it. Last evaluated 2025-12-31.

Conditions:
NEFH-related disorder. Also called: NEFH-related condition.
Inborn genetic diseases. Identifiers: MedGen C0950123, MeSH D030342.

Submissions (4):

Labcorp Genetics (formerly Invitae), Labcorp
Classification: Likely benign. Last evaluated: 2025-12-31. Review status: criteria provided, single submitter. Criteria: Invitae Variant Classification Sherloc (09022015). Collection method: clinical testing. Allele origin: germline.

Women's Health and Genetics/Laboratory Corporation of America, LabCorp
Classification: Likely benign. Last evaluated: 2025-05-05. Review status: criteria provided, single submitter. Criteria: LabCorp Variant Classification Summary - May 2015. Collection method: clinical testing. Allele origin: germline.

Ambry Genetics
Classification: Likely benign for Inborn genetic diseases. Last evaluated: 2022-06-06. Review status: criteria provided, single submitter. Criteria: Ambry Variant Classification Scheme 2023. Collection method: clinical testing. Allele origin: germline.

PreventionGenetics, part of Exact Sciences
Classification: Likely benign for NEFH-related condition. Last evaluated: 2024-07-27. Review status: no assertion criteria provided. Collection method: clinical testing. Allele origin: germline. Not counted in ClinVar's aggregate classification.
Comment: This variant is classified as likely benign based on ACMG/AMP sequence variant interpretation guidelines (Richards et al. 2015 PMID: 25741868, with internal and published modifications).

NM_021076.4(NEFH):c.2623GAG[1] (p.Glu876del)

Gene: NEFH (neurofilament heavy chain; plus strand). Cytogenetic location: 22q12.2.
Variant type: Microsatellite.
Coding change: c.2623GAG[1] on transcript NM_021076.4 (MANE Select); one copy of the 3-base unit GAG starting at c.2623; the reference has two copies in a row; one copy, 3 bases deleted.
Protein change: p.Glu876del; deletes glutamic acid 876.
Molecular consequence: inframe deletion.
Genome position (GRCh38, 1-based): chr22:29,490,266-29,490,268, GAG deleted; deleting any 3 consecutive bases within chr22:29,490,262-29,490,268 gives the same sequence; the position shown is the placement nearest the transcript's 3' end. VCF-style (leftmost placement, unchanged base first): chr22-29490261-TGGA-T. GRCh37 (hg19) VCF-style: chr22-29886250-TGGA-T.
Other names: c.2626_2628delGAG (NM_021076.4); short protein forms E876del.
Identifiers: ClinVar variation 1664837 (VCV001664837.12), dbSNP rs768937935, ClinGen allele CA10174464.